The following is an entry in ClinVar:

ClinVar aggregate classification (germline): Likely benign. Review status: criteria provided, single submitter (1 of 4 stars). 2 submissions from 2 submitters: Likely benign (1). 1 of the submissions does not count toward it. Last evaluated 2023-12-27.

Conditions:
WNT5A-related disorder. Also called: WNT5A-related condition.

Allele frequency attached by ClinVar (database versions not stated): TOPMed below 0.00001.
gnomAD v4.1: 20 of 1,614,004 alleles (0.0012%); highest among the groups gnomAD compares: Middle Eastern, 0.033%; no homozygotes.

Submissions (2):

Labcorp Genetics (formerly Invitae), Labcorp
Classification: Likely benign. Last evaluated: 2023-12-27. Review status: criteria provided, single submitter. Criteria: Invitae Variant Classification Sherloc (09022015). Collection method: clinical testing. Allele origin: germline.

PreventionGenetics, part of Exact Sciences
Classification: Likely benign for WNT5A-related condition. Last evaluated: 2023-05-05. Review status: no assertion criteria provided. Collection method: clinical testing. Allele origin: germline. Not counted in ClinVar's aggregate classification.
Comment: This variant is classified as likely benign based on ACMG/AMP sequence variant interpretation guidelines (Richards et al. 2015 PMID: 25741868, with internal and published modifications).

NM_003392.7(WNT5A):c.1128G>A (p.Gln376=)

Gene: WNT5A (Wnt family member 5A; minus strand). Cytogenetic location: 3p14.3.
Variant type: single nucleotide variant.
Coding change: c.1128G>A on transcript NM_003392.7 (MANE Select); coding-DNA position 1128, G replaced by A.
Protein change: p.Gln376=; no amino-acid change (glutamine 376 retained).
Molecular consequence: synonymous variant.
Genome position (GRCh38, 1-based): chr3:55,470,107, C>T on the plus strand (G>A on the coding strand, the complement: WNT5A is on the minus strand). VCF-style: chr3-55470107-C-T. GRCh37 (hg19) VCF-style: chr3-55504135-C-T.
Other names: c.1128G>A (NM_003392.4); c.1083G>A, p.Gln361= (NM_001256105.1, NM_001377271.1, NM_001377272.1).
Identifiers: ClinVar variation 2958499 (VCV002958499.5), dbSNP rs775072555, ClinGen allele CA2458905.